The following is an entry in ClinVar:

NM_002546.4(TNFRSF11B):c.868C>G (p.Leu290Val)

Gene: TNFRSF11B (TNF receptor superfamily member 11b; minus strand). Cytogenetic location: 8q24.12.
Variant type: single nucleotide variant.
Coding change: c.868C>G on transcript NM_002546.4 (MANE Select); coding-DNA position 868, C replaced by G.
Protein change: p.Leu290Val; replaces leucine 290 with valine.
Molecular consequence: missense variant.
Genome position (GRCh38, 1-based): chr8:118,924,712, G>C on the plus strand (C>G on the coding strand, the complement: TNFRSF11B is on the minus strand). VCF-style: chr8-118924712-G-C. GRCh37 (hg19) VCF-style: chr8-119936951-G-C.
Other names: short protein forms L290V.
Identifiers: ClinVar variation 4745344 (VCV004745344.1).

ClinVar aggregate classification (germline): Uncertain significance (1 of 4 stars; one submission).

Submission:

Labcorp Genetics (formerly Invitae), Labcorp
Classification: Uncertain significance. Last evaluated: 2026-01-18. Review status: criteria provided, single submitter. Criteria: Invitae Variant Classification Sherloc (09022015). Collection method: clinical testing. Allele origin: germline.
Comment: This sequence change replaces leucine, which is neutral and non-polar, with valine, which is neutral and non-polar, at codon 290 of the TNFRSF11B protein (p.Leu290Val). This variant is not present in population databases (gnomAD no frequency). This variant has not been reported in the literature in individuals affected with TNFRSF11B-related conditions. Invitae Evidence Modeling of protein sequence and biophysical properties (such as structural, functional, and spatial information, amino acid conservation, physicochemical variation, residue mobility, and thermodynamic stability) indicates that this missense variant is not expected to disrupt TNFRSF11B protein function with a negative predictive value of 80%. In summary, the available evidence is currently insufficient to determine the role of this variant in disease. Therefore, it has been classified as a Variant of Uncertain Significance.